The following is an entry in ClinVar:

NM_020433.5(JPH2):c.601G>A (p.Ala201Thr)

Gene: JPH2 (junctophilin 2; minus strand). Cytogenetic location: 20q13.12.
Variant type: single nucleotide variant.
Coding change: c.601G>A on transcript NM_020433.5 (MANE Select); coding-DNA position 601, G replaced by A.
Protein change: p.Ala201Thr; replaces alanine 201 with threonine.
Molecular consequence: missense variant.
Genome position (GRCh38, 1-based): chr20:44,160,186, C>T on the plus strand (G>A on the coding strand, the complement: JPH2 is on the minus strand). VCF-style: chr20-44160186-C-T. GRCh37 (hg19) VCF-style: chr20-42788826-C-T.
Other names: short protein forms A201T.
Identifiers: ClinVar variation 1194140 (VCV001194140.3), dbSNP rs953581894, ClinGen allele CA314629695.
Genomic context (GRCh38, chr20:44,160,186, plus strand): 5'-AGAGGCCGCCGCCCTTGGGCGCCCGCGCGGCCGCCTCGGCATTGGCCAGGAGGCTGAGCG[C>T]GAAGCCGCCACGCGGGATGGCGGGCGAGGGCAGCGCGGGGCCGTCGGAGGCCGGCGAGGC-3'
Protein context (NP_065166.2, residues 191-211): PSPAIPRGGF[Ala201Thr]LSLLANAEAA

ClinVar aggregate classification (germline): Conflicting classifications of pathogenicity. Review status: criteria provided, conflicting classifications (1 of 4 stars). 2 submissions from 2 submitters: Uncertain significance (1); Likely benign (1). Last evaluated 2024-05-16.

Conditions:
Cardiovascular phenotype. Identifiers: MedGen CN230736.

Allele frequency attached by ClinVar (database versions not stated): gnomAD exomes below 0.00001 and 0.00004; TOPMed below 0.00001.
gnomAD v4.1: 3 of 1,399,432 alleles (0.00021%); highest among the groups gnomAD compares: Middle Eastern, 0.025%; no homozygotes.

Submissions (2):

Ambry Genetics
Classification: Likely benign for Cardiovascular phenotype. Last evaluated: 2024-05-16. Review status: criteria provided, single submitter. Criteria: Ambry Variant Classification Scheme 2023. Collection method: clinical testing. Allele origin: germline.

GeneDx
Classification: Uncertain significance. Last evaluated: 2020-03-13. Review status: criteria provided, single submitter. Criteria: GeneDx Variant Classification Process June 2021. Collection method: clinical testing. Allele origin: germline. Affected: yes.
Comment: Has not been previously published as pathogenic or benign to our knowledge; Not observed at a significant frequency in large population cohorts (Lek et al., 2016); In silico analysis supports that this missense variant does not alter protein structure/function